The following is an entry in ClinVar:

NM_152328.5(ADSS1):c.973C>T (p.Arg325Cys)

Gene: ADSS1 (adenylosuccinate synthase 1; plus strand). Cytogenetic location: 14q32.33.
Variant type: single nucleotide variant.
Coding change: c.973C>T on transcript NM_152328.5 (MANE Select); coding-DNA position 973, C replaced by T.
Protein change: p.Arg325Cys; replaces arginine 325 with cysteine.
Molecular consequence: missense variant.
Genome position (GRCh38, 1-based): chr14:104,743,091, C>T. VCF-style: chr14-104743091-C-T. GRCh37 (hg19) VCF-style: chr14-105209428-C-T.
Other names: c.358C>T, p.Arg120Cys (NM_001320424.1); c.1102C>T, p.Arg368Cys (NM_199165.2); c.1102C>T (NM_199165.1); short protein forms R120C, R325C, R368C.
Identifiers: ClinVar variation 1681989 (VCV001681989.7), dbSNP rs150880740, ClinGen allele CA7373961.

ClinVar aggregate classification (germline): Uncertain significance. Review status: criteria provided, multiple submitters, no conflicts (2 of 4 stars). 2 submissions from 2 submitters: Uncertain significance (2). Last evaluated 2025-08-18.

Conditions:
Inborn genetic diseases. Identifiers: MedGen C0950123, MeSH D030342.

Allele frequency attached by ClinVar (database versions not stated): ExAC 0.00002; gnomAD exomes 0.00005 and 0.00008; gnomAD 0.00006 and 0.00007; TOPMed 0.00007; ESP Exome Variant Server 0.00008.
gnomAD v4.1: 129 of 1,612,954 alleles (0.008%); highest among the groups gnomAD compares: Non-Finnish European, 0.01%; no homozygotes.

Submissions (2):

Labcorp Genetics (formerly Invitae), Labcorp
Classification: Uncertain significance. Last evaluated: 2025-08-18. Review status: criteria provided, single submitter. Criteria: Invitae Variant Classification Sherloc (09022015). Collection method: clinical testing. Allele origin: germline.
Comment: This sequence change replaces arginine, which is basic and polar, with cysteine, which is neutral and slightly polar, at codon 368 of the ADSSL1 protein (p.Arg368Cys). This variant is present in population databases (rs150880740, gnomAD 0.008%). This variant has not been reported in the literature in individuals affected with ADSSL1-related conditions. ClinVar contains an entry for this variant (Variation ID: 1681989). An algorithm developed to predict the effect of missense changes on protein structure and function (PolyPhen-2) suggests that this variant is likely to be disruptive. In summary, the available evidence is currently insufficient to determine the role of this variant in disease. Therefore, it has been classified as a Variant of Uncertain Significance.

Ambry Genetics
Classification: Uncertain significance for Inborn genetic diseases. Last evaluated: 2023-11-06. Review status: criteria provided, single submitter. Criteria: Ambry Variant Classification Scheme 2023. Collection method: clinical testing. Allele origin: germline.